The following is an entry in ClinVar:

ClinVar aggregate classification (germline): Uncertain significance (1 of 4 stars; one submission).

Conditions:
CAMTA1-related disorder. Also called: CAMTA1-related condition.

Submission:

PreventionGenetics, part of Exact Sciences
Classification: Uncertain significance for CAMTA1-related condition. Last evaluated: 2026-01-08. Review status: criteria provided, single submitter. Criteria: ACMG Guidelines, 2015. Collection method: clinical testing. Allele origin: germline.
Comment: The CAMTA1 c.2153A>G variant is predicted to result in the amino acid substitution p.Tyr718Cys. To our knowledge, this variant has not been reported in the literature or in a large population database (gnomAD), indicating this variant is rare. At this time, the clinical significance of this variant is uncertain due to the absence of conclusive functional and genetic evidence.

NM_015215.4(CAMTA1):c.2153A>G (p.Tyr718Cys)

Gene: CAMTA1 (calmodulin binding transcription activator 1; plus strand). Cytogenetic location: 1p36.23.
Variant type: single nucleotide variant.
Coding change: c.2153A>G on transcript NM_015215.4 (MANE Select); coding-DNA position 2153, A replaced by G.
Protein change: p.Tyr718Cys; replaces tyrosine 718 with cysteine.
Molecular consequence: missense variant.
Genome position (GRCh38, 1-based): chr1:7,664,700, A>G. VCF-style: chr1-7664700-A-G. GRCh37 (hg19) VCF-style: chr1-7724760-A-G.
Other names: c.2063A>G, p.Tyr688Cys (NM_001349608.2, NM_001349612.2); c.2153A>G, p.Tyr718Cys (NM_001349609.2, NM_001349610.2); c.2153A>G (NM_015215.3); short protein forms Y688C, Y718C.
Identifiers: ClinVar variation 4993625 (VCV004993625.1), dbSNP rs1576688799.